The following is an entry in ClinVar:

NM_025179.4(PLXNA2):c.2358C>T (p.Asn786=)

Gene: PLXNA2 (plexin A2; minus strand). Cytogenetic location: 1q32.2.
Variant type: single nucleotide variant.
Coding change: c.2358C>T on transcript NM_025179.4 (MANE Select); coding-DNA position 2358, C replaced by T.
Protein change: p.Asn786=; no amino-acid change (asparagine 786 retained).
Molecular consequence: synonymous variant.
Genome position (GRCh38, 1-based): chr1:208,082,449, G>A on the plus strand (C>T on the coding strand, the complement: PLXNA2 is on the minus strand). VCF-style: chr1-208082449-G-A. GRCh37 (hg19) VCF-style: chr1-208255794-G-A.
Other names: c.2358C>T (NM_025179.3).
Identifiers: ClinVar variation 1628211 (VCV001628211.9), dbSNP rs139151743, ClinGen allele CA1373552.

ClinVar aggregate classification (germline): Likely benign. Review status: criteria provided, single submitter (1 of 4 stars). 2 submissions from 2 submitters: Likely benign (1). 1 of the submissions does not count toward it. Last evaluated 2025-11-23.

Conditions:
PLXNA2-related disorder. Also called: PLXNA2-related condition.

Allele frequency attached by ClinVar (database versions not stated): gnomAD exomes 0.00003; ExAC 0.00007; gnomAD 0.00015; TOPMed 0.00025; ESP Exome Variant Server 0.00038.
gnomAD v4.1: 74 of 1,613,940 alleles (0.0046%); highest among the groups gnomAD compares: African/African-American, 0.053%; no homozygotes.

Submissions (2):

Labcorp Genetics (formerly Invitae), Labcorp
Classification: Likely benign. Last evaluated: 2025-11-23. Review status: criteria provided, single submitter. Criteria: Invitae Variant Classification Sherloc (09022015). Collection method: clinical testing. Allele origin: germline.

PreventionGenetics, part of Exact Sciences
Classification: Likely benign for PLXNA2-related condition. Last evaluated: 2021-08-04. Review status: no assertion criteria provided. Collection method: clinical testing. Allele origin: germline. Not counted in ClinVar's aggregate classification.
Comment: This variant is classified as likely benign based on ACMG/AMP sequence variant interpretation guidelines (Richards et al. 2015 PMID: 25741868, with internal and published modifications).